The following is an entry in ClinVar:

NM_006440.5(TXNRD2):c.409A>G (p.Lys137Glu)

Gene: TXNRD2 (thioredoxin reductase 2; minus strand). Cytogenetic location: 22q11.21.
Variant type: single nucleotide variant.
Coding change: c.409A>G on transcript NM_006440.5 (MANE Select); coding-DNA position 409, A replaced by G.
Protein change: p.Lys137Glu; replaces lysine 137 with glutamic acid.
Molecular consequence: missense variant. On other transcripts: non-coding transcript variant (1).
Genome position (GRCh38, 1-based): chr22:19,918,183, T>C on the plus strand (A>G on the coding strand, the complement: TXNRD2 is on the minus strand). VCF-style: chr22-19918183-T-C. GRCh37 (hg19) VCF-style: chr22-19905706-T-C.
Other names: c.409A>G, p.Lys137Glu (NM_001282512.3); c.406A>G, p.Lys136Glu (NM_001352300.2); c.319A>G, p.Lys107Glu (NM_001352301.2); c.121A>G, p.Lys41Glu (NM_001352302.2); c.313A>G, p.Lys105Glu (NM_001352303.2); short protein forms K105E, K107E, K137E, K41E, K136E.
Identifiers: ClinVar variation 3712594 (VCV003712594.2).

ClinVar aggregate classification (germline): Uncertain significance (1 of 4 stars; one submission).

Conditions:
Primary dilated cardiomyopathy (DCM). Also called: Dilated Cardiomyopathy. Identifiers: Orphanet 217604, MedGen C0007193, MeSH D002311, MONDO:0005021, HP:0001644. Inheritance: Various modes of inheritance.

Submission:

Labcorp Genetics (formerly Invitae), Labcorp
Classification: Uncertain significance for Primary dilated cardiomyopathy. Last evaluated: 2025-01-02. Review status: criteria provided, single submitter. Criteria: Invitae Variant Classification Sherloc (09022015). Collection method: clinical testing. Allele origin: germline.
Comment: This sequence change replaces lysine, which is basic and polar, with glutamic acid, which is acidic and polar, at codon 137 of the TXNRD2 protein (p.Lys137Glu). This variant is not present in population databases (gnomAD no frequency). This variant has not been reported in the literature in individuals affected with TXNRD2-related conditions. Invitae Evidence Modeling of protein sequence and biophysical properties (such as structural, functional, and spatial information, amino acid conservation, physicochemical variation, residue mobility, and thermodynamic stability) indicates that this missense variant is not expected to disrupt TXNRD2 protein function with a negative predictive value of 80%. In summary, the available evidence is currently insufficient to determine the role of this variant in disease. Therefore, it has been classified as a Variant of Uncertain Significance.